The following is an entry in ClinVar:

NM_000038.6(APC):c.136-2954T>C

Gene: APC (APC regulator of WNT signaling pathway; plus strand). Cytogenetic location: 5q22.2.
Variant type: single nucleotide variant.
Coding change: c.136-2954T>C on transcript NM_000038.6 (MANE Select); 2954 bases into the intron before coding-DNA position 136, T replaced by C.
Molecular consequence: intron variant.
Genome position (GRCh38, 1-based): chr5:112,763,372, T>C. VCF-style: chr5-112763372-T-C. GRCh37 (hg19) VCF-style: chr5-112099069-T-C.
Other names: c.136-2954T>C (NM_001354895.2, NM_001127510.3, NM_001354896.2 and 2 more transcripts); c.166-2954T>C (NM_001354897.2, NM_001354902.2, NM_001127511.3); c.61-2954T>C (NM_001354898.2, NM_001354904.2); c.-900-2954T>C (NM_001354906.2); c.-42-2954T>C (NM_001354900.2, NM_001354901.2, NM_001354905.2).
Identifiers: ClinVar variation 82849 (VCV000082849.2), dbSNP rs76994479, ClinGen allele CA004673.

ClinVar aggregate classification (germline): other (0 of 4 stars; one submission).

Conditions:
Familial colorectal cancer. Identifiers: MedGen CN280943, MONDO:0023113. Disease mechanism: loss of function.

Allele frequency attached by ClinVar (database versions not stated): gnomAD 0.00001; TOPMed 0.00002.
gnomAD v4.1: 2 of 148,272 alleles (0.0013%); highest among the groups gnomAD compares: African/African-American, 0.005%; no homozygotes.

Submission:

Systems Biology Platform Zhejiang California International NanoSystems Institute
Classification: other for Familial colorectal cancer. Review status: no assertion criteria provided. Collection method: not provided. Allele origin: unknown.
ClinVar note: Converted during submission from cancer to other.